The following is an entry in ClinVar:

NM_004655.4(AXIN2):c.135C>T (p.Val45=)

Gene: AXIN2 (axin 2; minus strand). Cytogenetic location: 17q24.1.
Variant type: single nucleotide variant.
Coding change: c.135C>T on transcript NM_004655.4 (MANE Select); coding-DNA position 135, C replaced by T.
Protein change: p.Val45=; no amino-acid change (valine 45 retained).
Molecular consequence: synonymous variant.
Genome position (GRCh38, 1-based): chr17:65,558,486, G>A on the plus strand (C>T on the coding strand, the complement: AXIN2 is on the minus strand). VCF-style: chr17-65558486-G-A. GRCh37 (hg19) VCF-style: chr17-63554604-G-A.
Other names: c.135C>T (LRG_296t1); c.135C>T, p.Val45= (NM_001363813.1).
Identifiers: ClinVar variation 384894 (VCV000384894.22), dbSNP rs376726966, ClinGen allele CA8719095.

ClinVar aggregate classification (germline): Conflicting classifications of pathogenicity. Review status: criteria provided, conflicting classifications (1 of 4 stars). 8 submissions from 8 submitters: Uncertain significance (1); Benign (1); Likely benign (5). 1 of the submissions does not count toward it. Last evaluated 2025-12-26.

Conditions:
Hereditary cancer-predisposing syndrome. Also called: Hereditary Cancer Syndrome; Hereditary neoplastic syndrome; Neoplastic Syndromes, Hereditary; Tumor predisposition. Identifiers: Orphanet 140162, MedGen C0027672, MeSH D009386, MONDO:0015356.
Oligodontia-cancer predisposition syndrome. Also called: TOOTH AGENESIS-COLORECTAL CANCER SYNDROME. Identifiers: Orphanet 300576, MedGen C1837750, MONDO:0012075, OMIM 608615. Disease mechanism: loss of function.

Allele frequency attached by ClinVar (database versions not stated): ExAC 0.00002; gnomAD 0.00002; TOPMed 0.00003; ESP Exome Variant Server 0.00008.
gnomAD v4.1: 48 of 1,610,516 alleles (0.003%); highest among the groups gnomAD compares: South Asian, 0.011%; no homozygotes.

Submissions (8):

Labcorp Genetics (formerly Invitae), Labcorp
Classification: Likely benign for Oligodontia-cancer predisposition syndrome. Last evaluated: 2025-12-26. Review status: criteria provided, single submitter. Criteria: Invitae Variant Classification Sherloc (09022015). Collection method: clinical testing. Allele origin: germline.

Myriad Genetics, Inc.
Classification: Benign for Oligodontia-cancer predisposition syndrome. Last evaluated: 2024-06-25. Review status: criteria provided, single submitter. Criteria: Myriad Autosomal Dominant, Autosomal Recessive and X-Linked Classification Criteria (2023). Collection method: clinical testing. Allele origin: unknown.
Comment: This variant is considered benign. This variant is a silent/synonymous amino acid change and it is not expected to impact splicing.

KCCC/NGS Laboratory, Kuwait Cancer Control Center
Classification: Likely benign for Oligodontia-cancer predisposition syndrome. Last evaluated: 2023-07-07. Review status: criteria provided, single submitter. Criteria: ACMG Guidelines, 2015. Collection method: clinical testing. Allele origin: germline. Affected: yes.

Quest Diagnostics Nichols Institute San Juan Capistrano
Classification: Uncertain significance. Last evaluated: 2023-05-08. Review status: criteria provided, single submitter. Criteria: Quest Diagnostics criteria. Collection method: clinical testing. Allele origin: unknown.
Comment: To the best of our knowledge, the variant has not been reported in the published literature. The frequency of this variant in the general population, 0.000016 (4/248922 chromosomes), is uninformative in assessment of its pathogenicity. Analysis of this variant using software algorithms for the prediction of the effect of nucleotide changes on splicing yielded predictions that this variant does not affect AXIN2 mRNA splicing . Based on the available information, we are unable to determine the clinical significance of this variant.

Sema4
Classification: Likely benign for Hereditary cancer-predisposing syndrome. Last evaluated: 2021-08-03. Review status: criteria provided, single submitter. Criteria: Sema4 Curation Guidelines. Collection method: curation. Allele origin: germline.

GeneDx
Classification: Likely benign. Last evaluated: 2020-11-16. Review status: criteria provided, single submitter. Criteria: GeneDx Variant Classification Process June 2021. Collection method: clinical testing. Allele origin: germline. Affected: yes.

Ambry Genetics
Classification: Likely benign for Hereditary cancer-predisposing syndrome. Last evaluated: 2020-08-17. Review status: criteria provided, single submitter. Criteria: Ambry Variant Classification Scheme 2023. Collection method: clinical testing. Allele origin: germline.

Mayo Clinic Laboratories, Mayo Clinic
Classification: Likely benign. Review status: no assertion criteria provided. Collection method: clinical testing. Allele origin: unknown. Not counted in ClinVar's aggregate classification.